The following is an entry in ClinVar:

NM_001376.5(DYNC1H1):c.12853G>T (p.Ala4285Ser)

Gene: DYNC1H1 (dynein cytoplasmic 1 heavy chain 1; plus strand). Cytogenetic location: 14q32.31.
Variant type: single nucleotide variant.
Coding change: c.12853G>T on transcript NM_001376.5 (MANE Select); coding-DNA position 12853, G replaced by T.
Protein change: p.Ala4285Ser; replaces alanine 4285 with serine.
Molecular consequence: missense variant.
Genome position (GRCh38, 1-based): chr14:102,044,442, G>T. VCF-style: chr14-102044442-G-T. GRCh37 (hg19) VCF-style: chr14-102510779-G-T.
Other names: short protein forms A4285S.
Identifiers: ClinVar variation 245949 (VCV000245949.2), dbSNP rs749486351, ClinGen allele CA10584478.

ClinVar aggregate classification (germline): Uncertain significance (1 of 4 stars; one submission).

Submission:

GeneDx
Classification: Uncertain significance. Last evaluated: 2015-10-05. Review status: criteria provided, single submitter. Criteria: GeneDx Variant Classification (06012015). Collection method: clinical testing. Allele origin: germline. Affected: yes.
Comment: The A4285S variant in the DYNC1H1 gene has not been published as a pathogenic variant, nor has it been reported as a benign polymorphism to our knowledge. The A4285S variant was not observed in approximately 6500 individuals of European and African American ancestry in the NHLBI Exome Sequencing Project, indicating it is not a common benign variant in these populations. The A4285S variant is a non-conservative amino acid substitution, which is likely to impact secondary protein structure as these residues differ in polarity, charge, size and/or other properties. This substitution occurs at a position that is conserved across species. In silico analysis is inconsistent in its predictions as to whether or not the variant is damaging to the protein structure/function. We interpret A4285S as a variant of uncertain significance